The following is an entry in ClinVar:

ClinVar aggregate classification (germline): Uncertain significance (1 of 4 stars; one submission).

Conditions:
Leber congenital amaurosis 1 (LCA1). Also called: AMAUROSIS CONGENITA OF LEBER I; Congenital absence of the rods and cones; Leber's congenital tapetoretinal degeneration; Leber's congenital tapetoretinal dysplasia; RETINAL BLINDNESS, CONGENITAL. Identifiers: Orphanet 65, MedGen C2931258, MONDO:0008764, OMIM 204000.

Submission:

Juno Genomics, Hangzhou Juno Genomics, Inc
Classification: Uncertain significance for Leber congenital amaurosis 1. Review status: criteria provided, single submitter. Criteria: ACMG Guidelines, 2015. Collection method: clinical testing. Allele origin: germline.
Comment: Absent from controls (or at extremely low frequency if recessive) in Genome Aggregation Database.;Multiple lines of computational evidence suggest no impact on gene or gene product.;For recessive disorders, detected in trans with a pathogenic variant.

NM_000180.4(GUCY2D):c.2411T>C (p.Leu804Pro)

Gene: GUCY2D (guanylate cyclase 2D, retinal; plus strand). Cytogenetic location: 17p13.1.
Variant type: single nucleotide variant.
Coding change: c.2411T>C on transcript NM_000180.4 (MANE Select); coding-DNA position 2411, T replaced by C.
Protein change: p.Leu804Pro; replaces leucine 804 with proline.
Molecular consequence: missense variant.
Genome position (GRCh38, 1-based): chr17:8,014,027, T>C. VCF-style: chr17-8014027-T-C. GRCh37 (hg19) VCF-style: chr17-7917345-T-C.
Other names: short protein forms L804P.
Identifiers: ClinVar variation 5005853 (VCV005005853.2).